The following is an entry in ClinVar:

ClinVar aggregate classification (germline): Uncertain significance. Review status: criteria provided, multiple submitters, no conflicts (2 of 4 stars). 3 submissions from 3 submitters: Uncertain significance (3). Last evaluated 2025-10-01.

Conditions:
Hereditary cancer-predisposing syndrome. Also called: Neoplastic Syndromes, Hereditary; Tumor predisposition; Hereditary Cancer Syndrome; Hereditary neoplastic syndrome. Identifiers: Orphanet 140162, MedGen C0027672, MeSH D009386, MONDO:0015356.
Nijmegen breakage syndrome-like disorder (NBSLD). Also called: MICROCEPHALY AND SPONTANEOUS CHROMOSOME INSTABILITY WITHOUT IMMUNODEFICIENCY; NBS-LIKE DISORDER; RAD50 DEFICIENCY. Identifiers: Orphanet 240760, MedGen C2751318, MONDO:0013118, OMIM 613078.

Allele frequency attached by ClinVar (database versions not stated): gnomAD exomes below 0.00001.

Submissions (3):

Labcorp Genetics (formerly Invitae), Labcorp
Classification: Uncertain significance for Hereditary cancer-predisposing syndrome. Last evaluated: 2025-10-01. Review status: criteria provided, single submitter. Criteria: Invitae Variant Classification Sherloc (09022015). Collection method: clinical testing. Allele origin: germline.
Comment: This sequence change replaces methionine, which is neutral and non-polar, with lysine, which is basic and polar, at codon 140 of the RAD50 protein (p.Met140Lys). This variant is present in population databases (no rsID available, gnomAD 0.003%). This variant has not been reported in the literature in individuals affected with RAD50-related conditions. ClinVar contains an entry for this variant (Variation ID: 233532). Invitae Evidence Modeling of protein sequence and biophysical properties (such as structural, functional, and spatial information, amino acid conservation, physicochemical variation, residue mobility, and thermodynamic stability) indicates that this missense variant is expected to disrupt RAD50 protein function with a positive predictive value of 80%. In summary, the available evidence is currently insufficient to determine the role of this variant in disease. Therefore, it has been classified as a Variant of Uncertain Significance.

Baylor Genetics
Classification: Uncertain significance for Nijmegen breakage syndrome-like disorder. Last evaluated: 2023-05-15. Review status: criteria provided, single submitter. Criteria: ACMG Guidelines, 2015. Collection method: clinical testing. Allele origin: unknown.

Ambry Genetics
Classification: Uncertain significance for Hereditary cancer-predisposing syndrome. Last evaluated: 2022-12-16. Review status: criteria provided, single submitter. Criteria: Ambry Variant Classification Scheme 2023. Collection method: clinical testing. Allele origin: germline.
Comment: The p.M140K variant (also known as c.419T>A), located in coding exon 4 of the RAD50 gene, results from a T to A substitution at nucleotide position 419. The methionine at codon 140 is replaced by lysine, an amino acid with similar properties. This amino acid position is highly conserved in available vertebrate species. In addition, this alteration is predicted to be deleterious by in silico analysis. Since supporting evidence is limited at this time, the clinical significance of this alteration remains unclear.

NM_005732.4(RAD50):c.419T>A (p.Met140Lys)

Gene: RAD50 (RAD50 double strand break repair protein; plus strand). Cytogenetic location: 5q31.1.
Variant type: single nucleotide variant.
Coding change: c.419T>A on transcript NM_005732.4 (MANE Select); coding-DNA position 419, T replaced by A.
Protein change: p.Met140Lys; replaces methionine 140 with lysine.
Molecular consequence: missense variant.
Genome position (GRCh38, 1-based): chr5:132,579,370, T>A. VCF-style: chr5-132579370-T-A. GRCh37 (hg19) VCF-style: chr5-131915062-T-A.
Other names: short protein forms M140K.
Identifiers: ClinVar variation 233532 (VCV000233532.16), dbSNP rs876660468, ClinGen allele CA10578487.